The following is an entry in ClinVar:

ClinVar aggregate classification (germline): Uncertain significance (1 of 4 stars; one submission).

gnomAD v4.1: 24 of 1,612,520 alleles (0.0015%); highest among the groups gnomAD compares: Admixed American, 0.013%; no homozygotes.

Submission:

Labcorp Genetics (formerly Invitae), Labcorp
Classification: Uncertain significance. Last evaluated: 2023-06-07. Review status: criteria provided, single submitter. Criteria: Invitae Variant Classification Sherloc (09022015). Collection method: clinical testing. Allele origin: germline.
Comment: In summary, the available evidence is currently insufficient to determine the role of this variant in disease. Therefore, it has been classified as a Variant of Uncertain Significance. Advanced modeling of protein sequence and biophysical properties (such as structural, functional, and spatial information, amino acid conservation, physicochemical variation, residue mobility, and thermodynamic stability) performed at Invitae indicates that this missense variant is not expected to disrupt CFAP410 protein function. ClinVar contains an entry for this variant (Variation ID: 1402817). This variant has not been reported in the literature in individuals affected with CFAP410-related conditions. This variant is present in population databases (rs200049699, gnomAD 0.02%). This sequence change replaces arginine, which is basic and polar, with glycine, which is neutral and non-polar, at codon 60 of the CFAP410 protein (p.Arg60Gly).

NM_004928.3(CFAP410):c.178C>G (p.Arg60Gly)

Gene: CFAP410 (cilia and flagella associated protein 410; minus strand). Cytogenetic location: 21q22.3.
Variant type: single nucleotide variant.
Coding change: c.178C>G on transcript NM_004928.3 (MANE Select); coding-DNA position 178, C replaced by G.
Protein change: p.Arg60Gly; replaces arginine 60 with glycine.
Molecular consequence: missense variant.
Genome position (GRCh38, 1-based): chr21:44,333,228, G>C on the plus strand (C>G on the coding strand, the complement: CFAP410 is on the minus strand). VCF-style: chr21-44333228-G-C. GRCh37 (hg19) VCF-style: chr21-45753111-G-C.
Other names: c.178C>G, p.Arg60Gly (NM_001271440.2, NM_001271441.2); c.55C>G, p.Arg19Gly (NM_001271442.1); short protein forms R60G, R19G.
Identifiers: ClinVar variation 1402817 (VCV001402817.6), dbSNP rs200049699, ClinGen allele CA10053772.